The following is an entry in ClinVar:

NM_144596.4(TTC8):c.92T>C (p.Leu31Pro)

Gene: TTC8 (tetratricopeptide repeat domain 8; plus strand). Cytogenetic location: 14q31.3.
Variant type: single nucleotide variant.
Coding change: c.92T>C on transcript NM_144596.4 (MANE Select); coding-DNA position 92, T replaced by C.
Protein change: p.Leu31Pro; replaces leucine 31 with proline.
Molecular consequence: missense variant. On other transcripts: 5 prime UTR variant (2), non-coding transcript variant (1).
Genome position (GRCh38, 1-based): chr14:88,824,799, T>C. VCF-style: chr14-88824799-T-C. GRCh37 (hg19) VCF-style: chr14-89291143-T-C.
Other names: c.92T>C, p.Leu31Pro (NM_001288781.1, NM_001366535.2, NM_001366536.2 and 2 more transcripts); c.-471T>C (NM_001288782.1); c.-566T>C (NM_001288783.1); short protein forms L31P.
Identifiers: ClinVar variation 4984818 (VCV004984818.1).

ClinVar aggregate classification (germline): Uncertain significance (1 of 4 stars; one submission).

Conditions:
TTC8-related disorder. Also called: TTC8-related condition.

gnomAD v4.1: 1 of 1,613,434 alleles (0.000062%); highest among the groups gnomAD compares: Admixed American, 0.0017%; no homozygotes.

Submission:

PreventionGenetics, part of Exact Sciences
Classification: Uncertain significance for TTC8-related condition. Last evaluated: 2026-03-21. Review status: criteria provided, single submitter. Criteria: ACMG Guidelines, 2015. Collection method: clinical testing. Allele origin: germline.
Comment: The TTC8 c.92T>C variant is predicted to result in the amino acid substitution p.Leu31Pro. To our knowledge, this variant has not been reported in the literature. This variant is reported in 0.0029% of alleles in individuals of Latino descent in gnomAD. At this time, the clinical significance of this variant is uncertain due to the absence of conclusive functional and genetic evidence.